The following is an entry in ClinVar:

NM_006180.6(NTRK2):c.1874A>T (p.Glu625Val)

Gene: NTRK2 (neurotrophic receptor tyrosine kinase 2; plus strand). Cytogenetic location: 9q21.33.
Variant type: single nucleotide variant.
Coding change: c.1874A>T on transcript NM_006180.6 (MANE Select); coding-DNA position 1874, A replaced by T.
Protein change: p.Glu625Val; replaces glutamic acid 625 with valine.
Molecular consequence: missense variant.
Genome position (GRCh38, 1-based): chr9:84,948,571, A>T. VCF-style: chr9-84948571-A-T. GRCh37 (hg19) VCF-style: chr9-87563486-A-T.
Other names: c.1826A>T, p.Glu609Val (NM_001018064.3, NM_001369532.1, NM_001369533.1); c.1790A>T, p.Glu597Val (NM_001369534.1); c.1358A>T, p.Glu453Val (NM_001369535.1); c.1406A>T, p.Glu469Val (NM_001369536.1); short protein forms E453V, E469V, E597V, E609V, E625V.
Identifiers: ClinVar variation 1313152 (VCV001313152.2), dbSNP rs2132885089, ClinGen allele CA374009721.

ClinVar aggregate classification (germline): Uncertain significance (1 of 4 stars; one submission).

Submission:

GeneDx
Classification: Uncertain significance. Last evaluated: 2021-09-20. Review status: criteria provided, single submitter. Criteria: GeneDx Variant Classification Process June 2021. Collection method: clinical testing. Allele origin: germline. Affected: yes.
Comment: Not observed at significant frequency in large population cohorts (Lek et al., 2016); In silico analysis supports that this missense variant has a deleterious effect on protein structure/function; Has not been previously published as pathogenic or benign to our knowledge; This variant is associated with the following publications: (PMID: 27535533)